The following is an entry in ClinVar:

ClinVar aggregate classification (germline): Uncertain significance (1 of 4 stars; one submission).

Conditions:
Gastrointestinal stromal tumor. Also called: Gastrointestinal stroma tumor; Gastrointestinal stromal tumor, somatic. Identifiers: Orphanet 44890, MedGen C0238198, MeSH D046152, MONDO:0011719, OMIM 606764, HP:0100723.

Submission:

Labcorp Genetics (formerly Invitae), Labcorp
Classification: Uncertain significance for Gastrointestinal stromal tumor. Last evaluated: 2021-11-23. Review status: criteria provided, single submitter. Criteria: Invitae Variant Classification Sherloc (09022015). Collection method: clinical testing. Allele origin: germline.
Comment: In summary, the available evidence is currently insufficient to determine the role of this variant in disease. Therefore, it has been classified as a Variant of Uncertain Significance. Algorithms developed to predict the effect of missense changes on protein structure and function (SIFT, PolyPhen-2, Align-GVGD) all suggest that this variant is likely to be tolerated. This variant has not been reported in the literature in individuals affected with KIT-related conditions. This variant is not present in population databases (gnomAD no frequency). This sequence change replaces tyrosine, which is neutral and polar, with asparagine, which is neutral and polar, at codon 494 of the KIT protein (p.Tyr494Asn).

NM_000222.3(KIT):c.1480T>A (p.Tyr494Asn)

Gene: KIT (KIT proto-oncogene, receptor tyrosine kinase; plus strand). Cytogenetic location: 4q12.
Variant type: single nucleotide variant.
Coding change: c.1480T>A on transcript NM_000222.3 (MANE Select); coding-DNA position 1480, T replaced by A.
Protein change: p.Tyr494Asn; replaces tyrosine 494 with asparagine.
Molecular consequence: missense variant.
Genome position (GRCh38, 1-based): chr4:54,725,990, T>A. VCF-style: chr4-54725990-T-A. GRCh37 (hg19) VCF-style: chr4-55592156-T-A.
Other names: c.1480T>A, p.Tyr494Asn (NM_001093772.2, NM_001385285.1, NM_001385286.1); c.1483T>A, p.Tyr495Asn (NM_001385284.1, NM_001385288.1, NM_001385290.1 and 1 more transcripts); short protein forms Y494N, Y495N.
Identifiers: ClinVar variation 1495474 (VCV001495474.6), dbSNP rs2109769353, ClinGen allele CA356906487.